The following is an entry in ClinVar:

ClinVar aggregate classification (germline): Uncertain significance (1 of 4 stars; one submission).

Submission:

GeneDx
Classification: Uncertain significance. Last evaluated: 2024-07-31. Review status: criteria provided, single submitter. Criteria: GeneDx Variant Classification Process June 2021. Collection method: clinical testing. Allele origin: germline.
Comment: Frameshift variant predicted to result in abnormal protein length as the last 233 amino acids are replaced with 10 different amino acids; Not observed at significant frequency in large population cohorts (gnomAD); Has not been previously published as pathogenic or benign to our knowledge

NM_002655.3(PLAG1):c.802_832del (p.Pro268fs)

Genes: PLAG1 (PLAG1 zinc finger; minus strand), LOC126860395 (BRD4-independent group 4 enhancer GRCh37_chr8:57079228-57080427; plus strand). Cytogenetic location: 8q12.1.
Variant type: Deletion.
Coding change: c.802_832del on transcript NM_002655.3 (MANE Select); coding-DNA positions 802 to 832, 31 bases deleted.
Protein change: p.Pro268fs; shifts the reading frame from proline 268.
Molecular consequence: frameshift variant.
Genome position (GRCh38, 1-based): chr8:56,166,914-56,166,944, 31 bases deleted; deleting any 31 consecutive bases within chr8:56,166,914-56,166,945 gives the same sequence; the c. name uses the placement nearest the transcript's 3' end. GRCh37 (hg19): chr8:57,079,474-57,079,504.
Other names: c.802_832del, p.Pro268fs (NM_001114634.2); c.556_586del, p.Pro186fs (NM_001114635.2); short protein forms P186fs, P268fs.
Identifiers: ClinVar variation 3252185 (VCV003252185.2), dbSNP rs2487106079.